The following is an entry in ClinVar:

ClinVar aggregate classification (germline): Pathogenic (1 of 4 stars; one submission).

Conditions:
Malignant tumor of pancreas. Also called: Pancreatic cancer; Cancer of the pancreas; Malignant pancreatic neoplasm. Identifiers: MedGen C0346647, MONDO:0009831.

Submission:

Dubai Health Genomic Medicine Center, Dubai Health
Classification: Pathogenic for Pancreatic cancer. Last evaluated: 2024-10-04. Review status: criteria provided, single submitter. Criteria: ACMG Guidelines, 2015. Collection method: research. Allele origin: germline. Affected: yes.
Comment: PVS1,PS2, PM2

NM_005359.6(SMAD4):c.116_125del (p.Ala39fs)

Gene: SMAD4 (SMAD family member 4; plus strand). Cytogenetic location: 18q21.2.
Variant type: Deletion.
Coding change: c.116_125del on transcript NM_005359.6 (MANE Select); coding-DNA positions 116 to 125, 10 bases deleted (CAATTGAAAG; older notation c.116_125delCAATTGAAAG).
Protein change: p.Ala39fs; shifts the reading frame from alanine 39.
Molecular consequence: frameshift variant. On other transcripts: non-coding transcript variant (2).
Genome position (GRCh38, 1-based): chr18:51,047,162-51,047,171, CAATTGAAAG deleted; deleting any 10 consecutive bases within chr18:51,047,160-51,047,171 gives the same sequence; the c. name uses the placement nearest the transcript's 3' end. VCF-style (leftmost placement, unchanged base first): chr18-51047159-GAGCAATTGAA-G. GRCh37 (hg19) VCF-style: chr18-48573529-GAGCAATTGAA-G.
Other names: c.116_125del, p.Ala39fs (NM_001407041.1, NM_001407042.1, NM_001407043.1); c.116_125delCAATTGAAAG, p.Ala39Valfs (NM_005359.5); short protein forms A39fs.
Identifiers: ClinVar variation 3384030 (VCV003384030.1).